The following is an entry in ClinVar:

ClinVar aggregate classification (germline): Likely benign. Review status: criteria provided, multiple submitters, no conflicts (2 of 4 stars). 2 submissions from 2 submitters: Likely benign (2). Last evaluated 2026-01-28.

Conditions:
Duchenne muscular dystrophy (DMD). Also called: MUSCULAR DYSTROPHY, PSEUDOHYPERTROPHIC PROGRESSIVE, DUCHENNE TYPE; Duchenne Muscular Dystrophy (DMD). Identifiers: Orphanet 98896, MedGen C0013264, MONDO:0010679, OMIM 310200.

Allele frequency attached by ClinVar (database versions not stated): gnomAD exomes below 0.00001; gnomAD 0.00001; TOPMed 0.00002.
gnomAD v4.1: 3 of 1,207,316 alleles (0.00025%); highest among the groups gnomAD compares: African/African-American, 0.0053%; no homozygotes.

Submissions (2):

Labcorp Genetics (formerly Invitae), Labcorp
Classification: Likely benign for Duchenne muscular dystrophy. Last evaluated: 2026-01-28. Review status: criteria provided, single submitter. Criteria: Invitae Variant Classification Sherloc (09022015). Collection method: clinical testing. Allele origin: germline.

GeneDx
Classification: Likely benign. Last evaluated: 2017-12-06. Review status: criteria provided, single submitter. Criteria: GeneDx Variant Classification (06012015). Collection method: clinical testing. Allele origin: germline. Affected: yes.
Comment: This variant is considered likely benign or benign based on one or more of the following criteria: it is a conservative change, it occurs at a poorly conserved position in the protein, it is predicted to be benign by multiple in silico algorithms, and/or has population frequency not consistent with disease.

NM_004006.3(DMD):c.9563+7A>G

Gene: DMD (dystrophin; minus strand). Cytogenetic location: Xp21.2.
Variant type: single nucleotide variant.
Coding change: c.9563+7A>G on transcript NM_004006.3 (MANE Select); 7 bases into the intron after coding-DNA position 9563, A replaced by G.
Molecular consequence: intron variant.
Genome position (GRCh38, 1-based): chrX:31,209,491, T>C on the plus strand (A>G on the coding strand, the complement: DMD is on the minus strand). VCF-style: chrX-31209491-T-C. GRCh37 (hg19) VCF-style: chrX-31227608-T-C.
Other names: c.9539+7A>G (NM_000109.4); c.5540+7A>G (NM_004011.4); c.5531+7A>G (NM_004012.4); c.2183+7A>G (NM_004023.3, NM_004020.4, NM_004022.3 and 2 more transcripts); c.1376+7A>G (NM_004014.3); c.359+7A>G (NM_004018.3, NM_004017.3, NM_004016.3 and 2 more transcripts); c.9551+7A>G (NM_004009.3); c.9194+7A>G (NM_004010.3).
Identifiers: ClinVar variation 506987 (VCV000506987.12), dbSNP rs1291131709, ClinGen allele CA658799638.